The following is an entry in ClinVar:

NM_002972.4(SBF1):c.961C>G (p.Pro321Ala)

Gene: SBF1 (SET binding factor 1; minus strand). Cytogenetic location: 22q13.33.
Variant type: single nucleotide variant.
Coding change: c.961C>G on transcript NM_002972.4 (MANE Select); coding-DNA position 961, C replaced by G.
Protein change: p.Pro321Ala; replaces proline 321 with alanine.
Molecular consequence: missense variant.
Genome position (GRCh38, 1-based): chr22:50,466,011, G>C on the plus strand (C>G on the coding strand, the complement: SBF1 is on the minus strand). VCF-style: chr22-50466011-G-C. GRCh37 (hg19) VCF-style: chr22-50904440-G-C.
Other names: c.964C>G, p.Pro322Ala (NM_001365819.1, NM_001410794.1); c.961C>G, p.Pro321Ala (NM_001410795.1); short protein forms P321A, P322A.
Identifiers: ClinVar variation 4779981 (VCV004779981.1).
Genomic context (GRCh38, chr22:50,466,011, plus strand): 5'-TGCCCCTCACCATGCTCAGCACACTGTGCGTCTGACTCTGCAGTGGCTCTGGCAAGGGTG[G>C]AATGTGCACACACTCAGGAATGGTGACCGTCCCTCCATCCAGATCAGCAACAATCACATC-3'
Protein context (NP_002963.2, residues 311-331): TVTIPECVHI[Pro321Ala]PLPEPLQSQT

ClinVar aggregate classification (germline): Uncertain significance (1 of 4 stars; one submission).

gnomAD v4.1: 3 of 1,614,002 alleles (0.00019%); highest among the groups gnomAD compares: African/African-American, 0.0027%; no homozygotes.

Submission:

Labcorp Genetics (formerly Invitae), Labcorp
Classification: Uncertain significance. Last evaluated: 2025-09-09. Review status: criteria provided, single submitter. Criteria: Invitae Variant Classification Sherloc (09022015). Collection method: clinical testing. Allele origin: germline.
Comment: This sequence change replaces proline, which is neutral and non-polar, with alanine, which is neutral and non-polar, at codon 321 of the SBF1 protein (p.Pro321Ala). This variant is present in population databases (no rsID available, gnomAD 0.007%). This variant has not been reported in the literature in individuals affected with SBF1-related conditions. Invitae Evidence Modeling of protein sequence and biophysical properties (such as structural, functional, and spatial information, amino acid conservation, physicochemical variation, residue mobility, and thermodynamic stability) indicates that this missense variant is not expected to disrupt SBF1 protein function with a negative predictive value of 80%. In summary, the available evidence is currently insufficient to determine the role of this variant in disease. Therefore, it has been classified as a Variant of Uncertain Significance.